The following is an entry in ClinVar:

NM_020778.5(ALPK3):c.-36G>A

Gene: ALPK3 (alpha kinase 3; plus strand). Cytogenetic location: 15q25.3.
Variant type: single nucleotide variant.
Coding change: c.-36G>A on transcript NM_020778.5 (MANE Select); 36 bases upstream of the start codon, G replaced by A.
Molecular consequence: 5 prime UTR variant.
Genome position (GRCh38, 1-based): chr15:84,817,417, G>A. VCF-style: chr15-84817417-G-A. GRCh37 (hg19) VCF-style: chr15-85360648-G-A.
Identifiers: ClinVar variation 1749277 (VCV001749277.5), dbSNP rs1236392318, ClinGen allele CA393369183.
Genomic context (GRCh38, chr15:84,817,417, plus strand): 5'-GGAGCGGCGGCGGCGGGCAGGGGCCCGGGGGCCGGGGCCTGGAGGACAGGCGAGGCAGCG[G>A]CGAGTGCGGGGCCGGCGGTCGGGGAGGGCGGTGCCATGGGGTCGCGGAGGGCCCCCAGCC-3'

ClinVar aggregate classification (germline): Uncertain significance. Review status: criteria provided, multiple submitters, no conflicts (2 of 4 stars). 2 submissions from 2 submitters: Uncertain significance (2). Last evaluated 2025-10-25.

Conditions:
Cardiovascular phenotype. Identifiers: MedGen CN230736.

Allele frequency attached by ClinVar (database versions not stated): gnomAD 0.00001.

Submissions (2):

Labcorp Genetics (formerly Invitae), Labcorp
Classification: Uncertain significance. Last evaluated: 2025-10-25. Review status: criteria provided, single submitter. Criteria: Invitae Variant Classification Sherloc (09022015). Collection method: clinical testing. Allele origin: germline.
Comment: This sequence change replaces alanine, which is neutral and non-polar, with threonine, which is neutral and polar, at codon 191 of the ALPK3 protein (p.Ala191Thr). This variant is present in population databases (no rsID available, gnomAD 0.007%). This variant has not been reported in the literature in individuals affected with ALPK3-related conditions. ClinVar contains an entry for this variant (Variation ID: 1749277). An algorithm developed to predict the effect of missense changes on protein structure and function (PolyPhen-2) suggests that this variant is likely to be tolerated. In summary, the available evidence is currently insufficient to determine the role of this variant in disease. Therefore, it has been classified as a Variant of Uncertain Significance.

Ambry Genetics
Classification: Uncertain significance for Cardiovascular phenotype. Last evaluated: 2021-01-07. Review status: criteria provided, single submitter. Criteria: Ambry Variant Classification Scheme 2023. Collection method: clinical testing. Allele origin: germline.
Comment: The p.A191T variant (also known as c.571G>A), located in coding exon 1 of the ALPK3 gene, results from a G to A substitution at nucleotide position 571. The alanine at codon 191 is replaced by threonine, an amino acid with similar properties. This amino acid position is highly conserved in available vertebrate species. In addition, this alteration is predicted to be tolerated by in silico analysis. Since supporting evidence is limited at this time, the clinical significance of this alteration remains unclear.